The following is an entry in ClinVar:

ClinVar aggregate classification (germline): Conflicting classifications of pathogenicity. Review status: criteria provided, conflicting classifications (1 of 4 stars). 25 submissions from 21 submitters: Uncertain significance (10); Benign (3); Likely benign (8). 4 of the submissions do not count toward it. Last evaluated 2026-01-29.

Conditions:
TTN-related disorder. Also called: TTN-related condition; TTN-related disease; TTN-related disorders.
Cardiovascular phenotype. Identifiers: MedGen CN230736.
Dilated cardiomyopathy 1G (CMD1G). Identifiers: Orphanet 154, MedGen C1858763, MONDO:0011400, OMIM 604145.
Autosomal recessive limb-girdle muscular dystrophy type 2J (LGMDR10). Also called: Limb-girdle muscular dystrophy, type 2J; MUSCULAR DYSTROPHY, LIMB-GIRDLE, AUTOSOMAL RECESSIVE 10. Identifiers: Orphanet 140922, MedGen C1837342, MONDO:0012127, OMIM 608807.
Cardiomyopathy (CMYO). Also called: Cardiomyopathies. Identifiers: Orphanet 167848, MedGen C0878544, MONDO:0004994, HP:0001638. Inheritance: Various modes of inheritance.
Early-onset myopathy with fatal cardiomyopathy (CMYO5). Also called: CONGENITAL MYOPATHY 5 WITH CARDIOMYOPATHY; Salih Myopathy. Identifiers: Orphanet 289377, MedGen C2673677, MONDO:0012714, OMIM 611705. Disease mechanism: loss of function.
Myopathy, myofibrillar, 9, with early respiratory failure (MFM9). Also called: EDSTROM MYOPATHY; MYOPATHY, PROXIMAL, WITH EARLY RESPIRATORY MUSCLE INVOLVEMENT; Hereditary myopathy with early respiratory failure; Myopathy, distal, with early respiratory failure, autosomal dominant. Identifiers: Orphanet 178464, Orphanet 34521, MedGen C1863599, MONDO:0011362, OMIM 603689.
Tibial muscular dystrophy (TMD). Also called: Udd Distal Myopathy – Tibial Muscular Dystrophy; Tibial muscular dystrophy, tardive; UDD MYOPATHY. Identifiers: Orphanet 609, MedGen C1838244, MONDO:0010870, OMIM 600334.

Allele frequency attached by ClinVar (database versions not stated): 1000 Genomes Project 30x 0.00016; 1000 Genomes Project 0.00020; gnomAD 0.00048 and 0.00051; ESP Exome Variant Server 0.00057; TOPMed 0.00059; gnomAD exomes 0.00064 and 0.00088; ExAC 0.00090.

Submissions 1 to 17 of 25:

Labcorp Genetics (formerly Invitae), Labcorp
Classification: Likely benign for Dilated cardiomyopathy 1G; Autosomal recessive limb-girdle muscular dystrophy type 2J. Last evaluated: 2026-01-29. Review status: criteria provided, single submitter. Criteria: Invitae Variant Classification Sherloc (09022015). Collection method: clinical testing. Allele origin: germline.

Mayo Clinic Laboratories, Mayo Clinic
Classification: Uncertain significance. Last evaluated: 2025-05-02. Review status: criteria provided, single submitter. Criteria: ACMG Guidelines, 2015. Collection method: clinical testing. Allele origin: germline. Observed: 4 variant alleles.

Molecular Diagnostic Laboratory for Inherited Cardiovascular Disease, Montreal Heart Institute
Classification: Likely benign. Last evaluated: 2025-04-09. Review status: criteria provided, single submitter. Criteria: ACMG Guidelines, 2015. Collection method: clinical testing. Allele origin: germline. Affected: no.

PreventionGenetics, part of Exact Sciences
Classification: Likely benign for TTN-related condition. Last evaluated: 2025-03-11. Review status: criteria provided, single submitter. Criteria: ACMG Guidelines, 2015. Collection method: clinical testing. Allele origin: germline.
Comment: This variant is classified as likely benign based on ACMG/AMP sequence variant interpretation guidelines (Richards et al. 2015 PMID: 25741868, with internal and published modifications).

CeGaT Center for Human Genetics Tuebingen
Classification: Uncertain significance. Last evaluated: 2025-01-01. Review status: criteria provided, single submitter. Criteria: CeGaT Center For Human Genetics Tuebingen Variant Classification Criteria Version 2. Collection method: clinical testing. Allele origin: germline. Affected: yes. Observed: 3 variant alleles.

Blueprint Genetics
Classification: Likely benign. Last evaluated: 2024-11-21. Review status: criteria provided, single submitter. Criteria: ACMG Guidelines, 2015. Collection method: clinical testing. Allele origin: germline.

ARUP Laboratories, Molecular Genetics and Genomics, ARUP Laboratories
Classification: Uncertain significance. Last evaluated: 2023-11-15. Review status: criteria provided, single submitter. Criteria: ARUP Molecular Germline Variant Investigation Process 2024. Collection method: clinical testing. Allele origin: germline.
Comment: The TTN c.93005G>T; p.Ser31002Ile variant (rs180975448; ClinVar Variation ID: 192143) is rare in the general population (<0.2% allele frequency in the Genome Aggregation Database) and has not been reported in the medical literature in association with dilated cardiomyopathy (DCM) or other TTN-related disease. The clinical relevance of rare missense variants in this gene, which are identified on average once per individual sequenced in affected populations (Herman 2012), is not well understood. Yet, evidence suggests that the vast majority of such missense variants do not contribute to the clinical outcome of DCM (Begay 2015). Thus, the clinical significance of the p.Ser31002Ile variant cannot be determined with certainty. Begay RL et al. Role of Titin Missense Variants in Dilated Cardiomyopathy. J Am Heart Assoc. 2015 Nov 13;4(11). PMID: 26567375. Herman DS et al. Truncations of titin causing dilated cardiomyopathy. N Engl J Med. 2012 Feb 16;366(7):619-28. PMID: 22335739. Linke WA and Hamdani N. Gigantic business: titin properties and function through thick and thin. Circ Res 2014; 114(6): 1052-1068. PMID: 24625729.

Women's Health and Genetics/Laboratory Corporation of America, LabCorp
Classification: Likely benign. Last evaluated: 2022-11-12. Review status: criteria provided, single submitter. Criteria: LabCorp Variant Classification Summary - May 2015. Collection method: clinical testing. Allele origin: germline.

GeneDx
Classification: Likely benign. Last evaluated: 2020-09-25. Review status: criteria provided, single submitter. Criteria: GeneDx Variant Classification Process June 2021. Collection method: clinical testing. Allele origin: germline. Affected: yes.
Comment: This variant is associated with the following publications: (PMID: 23396983, 23861362, 28771489)

Ambry Genetics
Classification: Uncertain significance for Cardiovascular phenotype. Last evaluated: 2020-06-25. Review status: criteria provided, single submitter. Criteria: Ambry Autosomal Dominant and X-Linked criteria (2/2020). Collection method: clinical testing. Allele origin: germline. Observed: 1 variant allele.
Comment: The p.S28434I variant (also known as c.85301G>T) is located in coding exon 287 of the TTN gene. This alteration results from a G to T substitution at nucleotide position 85301. The serine at codon 28434 is replaced by isoleucine, an amino acid with some dissimilar properties. This variant has been reported in a hypertrophic cardiomyopathy cohort; however, clinical details were limited, and has also been reported as a secondary cardiac variant in an exome cohort (Lopes LR et al. J Med Genet. 2013;50:228-39; Ng D et al. Circ Cardiovasc Genet. 2013;6(4):337-46). Based on data from gnomAD, the T allele has an overall frequency of approximately 0.06% (175/279844) total alleles studied. The highest observed frequency was 0.12% (151/127670) of non-Finnish European alleles. This amino acid position is well conserved in available vertebrate species. In addition, this alteration is predicted to be tolerated by in silico analysis. Based on the majority of available evidence to date, this variant is unlikely to be pathogenic.

Athena Diagnostics
Classification: Likely benign. Last evaluated: 2019-07-19. Review status: criteria provided, single submitter. Criteria: Athena Diagnostics Criteria. Collection method: clinical testing. Allele origin: germline.

CHEO Genetics Diagnostic Laboratory, Children's Hospital of Eastern Ontario
Classification: Benign for Cardiomyopathy. Last evaluated: 2018-07-06. Review status: criteria provided, single submitter. Criteria: ACMG Guidelines, 2015. Collection method: clinical testing. Allele origin: germline.

Illumina Laboratory Services, Illumina
Classification: Uncertain significance for Dilated cardiomyopathy 1G. Last evaluated: 2018-01-13. Review status: criteria provided, single submitter. Criteria: ICSL Variant Classification Criteria 13 December 2019. Collection method: clinical testing. Allele origin: germline.

Illumina Laboratory Services, Illumina
Classification: Uncertain significance for Early-onset myopathy with fatal cardiomyopathy. Last evaluated: 2018-01-13. Review status: criteria provided, single submitter. Criteria: ICSL Variant Classification Criteria 13 December 2019. Collection method: clinical testing. Allele origin: germline.

Illumina Laboratory Services, Illumina
Classification: Uncertain significance for Autosomal recessive limb-girdle muscular dystrophy type 2J. Last evaluated: 2018-01-13. Review status: criteria provided, single submitter. Criteria: ICSL Variant Classification Criteria 13 December 2019. Collection method: clinical testing. Allele origin: germline.

Illumina Laboratory Services, Illumina
Classification: Benign for Myopathy, myofibrillar, 9, with early respiratory failure. Last evaluated: 2018-01-13. Review status: criteria provided, single submitter. Criteria: ICSL Variant Classification Criteria 13 December 2019. Collection method: clinical testing. Allele origin: germline.
Comment: This variant was observed in the ICSL laboratory as part of a predisposition screen in an ostensibly healthy population. It had not been previously curated by ICSL or reported in the Human Gene Mutation Database (HGMD: prior to June 1st, 2018), and was therefore a candidate for classification through an automated scoring system. Utilizing variant allele frequency, disease prevalence and penetrance estimates, and inheritance mode, an automated score was calculated to assess if this variant is too frequent to cause the disease. Based on the score and internal cut-off values, a variant classified as benign is not then subjected to further curation. The score for this variant resulted in a classification of benign for this disease.

Illumina Laboratory Services, Illumina
Classification: Benign for Tibial muscular dystrophy. Last evaluated: 2018-01-13. Review status: criteria provided, single submitter. Criteria: ICSL Variant Classification Criteria 13 December 2019. Collection method: clinical testing. Allele origin: germline.
Comment: the same text as in the submission from Illumina Laboratory Services, Illumina above.

NM_001267550.2(TTN):c.93005G>T (p.Ser31002Ile)

Genes: TTN-AS1 (TTN antisense RNA 1; plus strand), TTN (titin; minus strand). Cytogenetic location: 2q31.2.
Variant type: single nucleotide variant.
Coding change: c.93005G>T on transcript NM_001267550.2 (MANE Select); coding-DNA position 93005, G replaced by T.
Protein change: p.Ser31002Ile; replaces serine 31002 with isoleucine.
Molecular consequence: missense variant.
Genome position (GRCh38, 1-based): chr2:178,548,621, C>A on the plus strand (G>T on the coding strand, the complement: TTN is on the minus strand). VCF-style: chr2-178548621-C-A. GRCh37 (hg19) VCF-style: chr2-179413348-C-A.
Other names: p.S29361I:AGT>ATT; c.88082G>T, p.Ser29361Ile (NM_001256850.1); c.85301G>T, p.Ser28434Ile (NM_133378.4); c.65810G>T, p.Ser21937Ile (NM_003319.4); c.66185G>T, p.Ser22062Ile (NM_133432.3); c.66386G>T, p.Ser22129Ile (NM_133437.4); short protein forms S28434I, S31002I, S29361I, S21937I, S22062I, S22129I.
Identifiers: ClinVar variation 192143 (VCV000192143.84), dbSNP rs180975448, ClinGen allele CA302602.